The following is an entry in ClinVar:

ClinVar aggregate classification (germline): Uncertain significance (1 of 4 stars; one submission).

Conditions:
Familial adenomatous polyposis 1 (FAP1). Also called: FAMILIAL ADENOMATOUS POLYPOSIS 1, ATTENUATED; POLYPOSIS, ADENOMATOUS INTESTINAL. Identifiers: MedGen C2713442, MONDO:0021056, OMIM 175100. Disease mechanism: loss of function.

Submission:

Labcorp Genetics (formerly Invitae), Labcorp
Classification: Uncertain significance for Familial adenomatous polyposis 1. Last evaluated: 2025-08-18. Review status: criteria provided, single submitter. Criteria: Invitae Variant Classification Sherloc (09022015). Collection method: clinical testing. Allele origin: germline.
Comment: This sequence change replaces glutamic acid, which is acidic and polar, with glutamine, which is neutral and polar, at codon 1345 of the APC protein (p.Glu1345Gln). This variant is not present in population databases (gnomAD no frequency). This variant has not been reported in the literature in individuals affected with APC-related conditions. Invitae Evidence Modeling of protein sequence and biophysical properties (such as structural, functional, and spatial information, amino acid conservation, physicochemical variation, residue mobility, and thermodynamic stability) indicates that this missense variant is not expected to disrupt APC protein function with a negative predictive value of 95%. In summary, the available evidence is currently insufficient to determine the role of this variant in disease. Therefore, it has been classified as a Variant of Uncertain Significance.

NM_000038.6(APC):c.4033G>C (p.Glu1345Gln)

Gene: APC (APC regulator of Wnt signaling pathway; plus strand). Cytogenetic location: 5q22.2.
Variant type: single nucleotide variant.
Coding change: c.4033G>C on transcript NM_000038.6 (MANE Select); coding-DNA position 4033, G replaced by C.
Protein change: p.Glu1345Gln; replaces glutamic acid 1345 with glutamine.
Molecular consequence: missense variant. On other transcripts: non-coding transcript variant (2).
Genome position (GRCh38, 1-based): chr5:112,839,627, G>C. VCF-style: chr5-112839627-G-C. GRCh37 (hg19) VCF-style: chr5-112175324-G-C.
Other names: c.4033G>C, p.Glu1345Gln (NM_001127510.3, NM_001354895.2, NM_001407450.1); c.3979G>C, p.Glu1327Gln (NM_001127511.3); c.4087G>C, p.Glu1363Gln (NM_001354896.2, NM_001407447.1, NM_001407448.1 and 1 more transcripts); c.4063G>C, p.Glu1355Gln (NM_001354897.2); c.3958G>C, p.Glu1320Gln (NM_001354898.2); c.3949G>C, p.Glu1317Gln (NM_001354899.2); c.3910G>C, p.Glu1304Gln (NM_001354900.2); c.3856G>C, p.Glu1286Gln (NM_001354901.2, NM_001407453.1); and 11 more; short protein forms E1062Q, E1185Q, E1216Q, E1219Q, E1244Q, E1254Q, E1262Q, E1286Q.
Identifiers: ClinVar variation 4808437 (VCV004808437.1).